The following is an entry in ClinVar:

ClinVar aggregate classification (germline): Uncertain significance (1 of 4 stars; one submission).

Submission:

Labcorp Genetics (formerly Invitae), Labcorp
Classification: Uncertain significance. Last evaluated: 2024-05-24. Review status: criteria provided, single submitter. Criteria: Invitae Variant Classification Sherloc (09022015). Collection method: clinical testing. Allele origin: germline.
Comment: This sequence change replaces proline, which is neutral and non-polar, with serine, which is neutral and polar, at codon 5 of the COX20 protein (p.Pro5Ser). This variant is not present in population databases (gnomAD no frequency). This variant has not been reported in the literature in individuals affected with COX20-related conditions. Algorithms developed to predict the effect of missense changes on protein structure and function output the following: SIFT: "Not Available"; PolyPhen-2: "Benign"; Align-GVGD: "Not Available". The serine amino acid residue is found in multiple mammalian species, which suggests that this missense change does not adversely affect protein function. In summary, the available evidence is currently insufficient to determine the role of this variant in disease. Therefore, it has been classified as a Variant of Uncertain Significance.

NM_198076.6(COX20):c.13C>T (p.Pro5Ser)

Genes: COX20 (cytochrome c oxidase assembly factor COX20; plus strand), LOC129932912 (ATAC-STARR-seq lymphoblastoid silent region 2019; plus strand). Cytogenetic location: 1q44.
Variant type: single nucleotide variant.
Coding change: c.13C>T on transcript NM_198076.6 (MANE Select); coding-DNA position 13, C replaced by T.
Protein change: p.Pro5Ser; replaces proline 5 with serine.
Molecular consequence: missense variant. On other transcripts: non-coding transcript variant (3).
Genome position (GRCh38, 1-based): chr1:244,835,727, C>T. VCF-style: chr1-244835727-C-T. GRCh37 (hg19) VCF-style: chr1-244999029-C-T.
Other names: c.13C>T, p.Pro5Ser (NM_001312871.1, NM_001312872.1, NM_001312873.1 and 1 more transcripts); short protein forms P5S.
Identifiers: ClinVar variation 3608515 (VCV003608515.2).